The following is an entry in ClinVar:

ClinVar aggregate classification (germline): Uncertain significance (1 of 4 stars; one submission).

Conditions:
Developmental and epileptic encephalopathy, 12 (DEE12). Identifiers: MedGen C3150988, MONDO:0013389, OMIM 613722.

Submission:

Labcorp Genetics (formerly Invitae), Labcorp
Classification: Uncertain significance for Developmental and epileptic encephalopathy, 12. Last evaluated: 2022-08-10. Review status: criteria provided, single submitter. Criteria: Invitae Variant Classification Sherloc (09022015). Collection method: clinical testing. Allele origin: germline.
Comment: Algorithms developed to predict the effect of sequence changes on RNA splicing suggest that this variant may create or strengthen a splice site. In summary, the available evidence is currently insufficient to determine the role of this variant in disease. Therefore, it has been classified as a Variant of Uncertain Significance. ClinVar contains an entry for this variant (Variation ID: 847921). This variant has not been reported in the literature in individuals affected with PNKP-related conditions. This variant is not present in population databases (gnomAD no frequency). This variant, c.407_421dup, results in the insertion of 5 amino acid(s) of the PNKP protein (p.Pro136_Met140dup), but otherwise preserves the integrity of the reading frame.

NM_007254.4(PNKP):c.407_421dup (p.Pro136_Met140dup)

Gene: PNKP (polynucleotide kinase 3'-phosphatase; minus strand). Cytogenetic location: 19q13.33.
Variant type: Duplication.
Coding change: c.407_421dup on transcript NM_007254.4 (MANE Select); coding-DNA positions 407 to 421, 15 bases duplicated (CGAAGAAGCGTATGC).
Protein change: p.Pro136_Met140dup.
Molecular consequence: inframe insertion.
Genome position (GRCh38, 1-based): chr19:49,865,204-49,865,218, GCATACGCTTCTTCG duplicated on the plus strand (CGAAGAAGCGTATGC on the coding strand, the reverse complement: PNKP is on the minus strand); duplicating any 15 consecutive bases within chr19:49,865,204-49,865,221 gives the same sequence; the c. name uses the placement nearest the transcript's 3' end. VCF-style (leftmost placement, unchanged base first): chr19-49865203-C-CGCATACGCTTCTTCG. GRCh37 (hg19) VCF-style: chr19-50368460-C-CGCATACGCTTCTTCG.
Identifiers: ClinVar variation 847921 (VCV000847921.13), dbSNP rs2074809327, ClinGen allele CA508296839.